The following is an entry in ClinVar:

ClinVar aggregate classification (germline): Uncertain significance (1 of 4 stars; one submission).

Conditions:
Mucolipidosis type IV (ML4). Also called: ML IV. Identifiers: Orphanet 578, MedGen C0238286, MONDO:0009653, OMIM 252650.

Submission:

Labcorp Genetics (formerly Invitae), Labcorp
Classification: Uncertain significance for Mucolipidosis type IV. Last evaluated: 2022-09-06. Review status: criteria provided, single submitter. Criteria: Invitae Variant Classification Sherloc (09022015). Collection method: clinical testing. Allele origin: germline.
Comment: This variant has not been reported in the literature in individuals affected with MCOLN1-related conditions. In summary, the available evidence is currently insufficient to determine the role of this variant in disease. Therefore, it has been classified as a Variant of Uncertain Significance. Algorithms developed to predict the effect of missense changes on protein structure and function are either unavailable or do not agree on the potential impact of this missense change (SIFT: "Deleterious"; PolyPhen-2: "Probably Damaging"; Align-GVGD: "Class C0"). This variant is not present in population databases (gnomAD no frequency). This sequence change replaces valine, which is neutral and non-polar, with methionine, which is neutral and non-polar, at codon 91 of the MCOLN1 protein (p.Val91Met).

NM_020533.3(MCOLN1):c.271G>A (p.Val91Met)

Gene: MCOLN1 (mucolipin TRP cation channel 1; plus strand). Cytogenetic location: 19p13.2.
Variant type: single nucleotide variant.
Coding change: c.271G>A on transcript NM_020533.3 (MANE Select); coding-DNA position 271, G replaced by A.
Protein change: p.Val91Met; replaces valine 91 with methionine.
Molecular consequence: missense variant.
Genome position (GRCh38, 1-based): chr19:7,526,472, G>A. VCF-style: chr19-7526472-G-A. GRCh37 (hg19) VCF-style: chr19-7591358-G-A.
Other names: short protein forms V91M.
Identifiers: ClinVar variation 2106669 (VCV002106669.4), dbSNP rs1200012839, ClinGen allele CA403080717.